The following is an entry in ClinVar:

NM_004397.6(DDX6):c.37G>T (p.Gly13Cys)

Gene: DDX6 (DEAD-box helicase 6; minus strand). Cytogenetic location: 11q23.3.
Variant type: single nucleotide variant.
Coding change: c.37G>T on transcript NM_004397.6 (MANE Select); coding-DNA position 37, G replaced by T.
Protein change: p.Gly13Cys; replaces glycine 13 with cysteine.
Molecular consequence: missense variant.
Genome position (GRCh38, 1-based): chr11:118,786,215, C>A on the plus strand (G>T on the coding strand, the complement: DDX6 is on the minus strand). VCF-style: chr11-118786215-C-A. GRCh37 (hg19) VCF-style: chr11-118656924-C-A.
Other names: c.37G>T, p.Gly13Cys (NM_001257191.3); short protein forms G13C.
Identifiers: ClinVar variation 2574413 (VCV002574413.3), dbSNP rs2501637805, ClinGen allele CA382903983.

ClinVar aggregate classification (germline): Uncertain significance (1 of 4 stars; one submission).

gnomAD v4.1: 2 of 1,613,508 alleles (0.00012%); highest among the groups gnomAD compares: Non-Finnish European, 0.00017%; no homozygotes.

Submission:

GeneDx
Classification: Uncertain significance. Last evaluated: 2023-09-06. Review status: criteria provided, single submitter. Criteria: GeneDx Variant Classification Process June 2021. Collection method: clinical testing. Allele origin: germline. Affected: yes.
Comment: Not observed at significant frequency in large population cohorts (gnomAD); In silico analysis supports that this missense variant does not alter protein structure/function; Has not been previously published as pathogenic or benign to our knowledge